The following is an entry in ClinVar:

ClinVar aggregate classification (germline): Pathogenic (1 of 4 stars; one submission).

Submission:

Labcorp Genetics (formerly Invitae), Labcorp
Classification: Pathogenic. Last evaluated: 2024-02-24. Review status: criteria provided, single submitter. Criteria: Invitae Variant Classification Sherloc (09022015). Collection method: clinical testing. Allele origin: germline.
Comment: This sequence change replaces aspartic acid, which is acidic and polar, with valine, which is neutral and non-polar, at codon 302 of the COMP protein (p.Asp302Val). This variant is not present in population databases (gnomAD no frequency). This missense change has been observed in individuals with multiple epiphyseal dysplasia (PMID: 10405447). It has also been observed to segregate with disease in related individuals. ClinVar contains an entry for this variant (Variation ID: 1404709). Advanced modeling of protein sequence and biophysical properties (such as structural, functional, and spatial information, amino acid conservation, physicochemical variation, residue mobility, and thermodynamic stability) performed at Invitae indicates that this missense variant is expected to disrupt COMP protein function with a positive predictive value of 80%. Experimental studies have shown that this missense change affects COMP function (PMID: 17570134). This variant disrupts the p.Asp302 amino acid residue in COMP. Other variant(s) that disrupt this residue have been observed in individuals with COMP-related conditions (PMID: 21965141), which suggests that this may be a clinically significant amino acid residue. For these reasons, this variant has been classified as Pathogenic.

Literature cited by the submitters: PubMed 10405447; PubMed 17570134; PubMed 21965141.

NM_000095.3(COMP):c.905A>T (p.Asp302Val)

Gene: COMP (cartilage oligomeric matrix protein; minus strand). Cytogenetic location: 19p13.11.
Variant type: single nucleotide variant.
Coding change: c.905A>T on transcript NM_000095.3 (MANE Select); coding-DNA position 905, A replaced by T.
Protein change: p.Asp302Val; replaces aspartic acid 302 with valine.
Molecular consequence: missense variant.
Genome position (GRCh38, 1-based): chr19:18,788,282, T>A on the plus strand (A>T on the coding strand, the complement: COMP is on the minus strand). VCF-style: chr19-18788282-T-A. GRCh37 (hg19) VCF-style: chr19-18899091-T-A.
Other names: short protein forms D302V.
Identifiers: ClinVar variation 1404709 (VCV001404709.6), dbSNP rs1248996138, ClinGen allele CA404891406.